The following is an entry in ClinVar:

ClinVar aggregate classification (germline): Uncertain significance (1 of 4 stars; one submission).

Submission:

GeneDx
Classification: Uncertain significance. Last evaluated: 2025-11-26. Review status: criteria provided, single submitter. Criteria: GeneDx Variant Classification Process June 2021. Collection method: clinical testing. Allele origin: germline.
Comment: Not observed at significant frequency in large population cohorts (gnomAD); In silico analysis supports that this missense variant has a deleterious effect on protein structure/function; Has not been previously published as pathogenic or benign to our knowledge

NM_003074.4(SMARCC1):c.2684T>C (p.Leu895Pro)

Gene: SMARCC1 (SWI/SNF related BAF chromatin remodeling complex subunit C1; minus strand). Cytogenetic location: 3p21.31.
Variant type: single nucleotide variant.
Coding change: c.2684T>C on transcript NM_003074.4 (MANE Select); coding-DNA position 2684, T replaced by C.
Protein change: p.Leu895Pro; replaces leucine 895 with proline.
Molecular consequence: missense variant.
Genome position (GRCh38, 1-based): chr3:47,622,304, A>G on the plus strand (T>C on the coding strand, the complement: SMARCC1 is on the minus strand). VCF-style: chr3-47622304-A-G. GRCh37 (hg19) VCF-style: chr3-47663794-A-G.
Other names: short protein forms L895P.
Identifiers: ClinVar variation 3392591 (VCV003392591.2).